The following is an entry in ClinVar:

NM_003467.3(CXCR4):c.1016_1017dup (p.Val340fs)

Gene: CXCR4 (C-X-C motif chemokine receptor 4; minus strand). Cytogenetic location: 2q22.1.
Variant type: Duplication.
Coding change: c.1016_1017dup on transcript NM_003467.3 (MANE Select); coding-DNA positions 1016 to 1017, 2 bases duplicated (CT; older notation c.1016_1017dupCT).
Protein change: p.Val340fs; shifts the reading frame from valine 340.
Molecular consequence: frameshift variant.
Genome position (GRCh38, 1-based): chr2:136,114,911-136,114,912, AG duplicated on the plus strand (CT on the coding strand, the reverse complement: CXCR4 is on the minus strand); duplicating any 2 consecutive bases within chr2:136,114,911-136,114,913 gives the same sequence; the c. name uses the placement nearest the transcript's 3' end. VCF-style (leftmost placement, unchanged base first): chr2-136114910-C-CAG. GRCh37 (hg19) VCF-style: chr2-136872480-C-CAG.
Other names: c.1229_1230dup, p.Val411fs (NM_001348056.2); c.1115_1116dup, p.Val373fs (NM_001348059.2); c.971_972dup, p.Val325fs (NM_001348060.2); c.1028_1029dup, p.Val344fs (NM_001008540.2); short protein forms V325fs, V340fs, V344fs, V373fs, V411fs.
Identifiers: ClinVar variation 3902812 (VCV003902812.2).

ClinVar aggregate classification (germline): Pathogenic (1 of 4 stars; one submission).

Conditions:
WHIM syndrome 1 (WHIMS). Identifiers: Orphanet 51636, MedGen C5542296, MONDO:8000006, OMIM 193670.

Submission:

Research Department, X4 Pharmaceuticals (Austria) GmbH
Classification: Pathogenic for WHIM syndrome 1. Last evaluated: 2025-06-03. Review status: criteria provided, single submitter. Criteria: ACMG Guidelines, 2015. Collection method: curation, in vitro. Allele origin: germline, not applicable. Inheritance: Autosomal dominant inheritance. Affected: yes. Observed: 4 variant alleles, 4 heterozygotes. Clinical features observed: Decreased total neutrophil count (HP:0001875), Decreased total lymphocyte count (HP:0001888), Myelokathexis (HP:0031160), Recurrent infections (HP:0002719). Functional consequence: gain_of_function_variant.
Comment: The p.Val340Leufs*27 frameshift variant has been observed in individuals with clinical features of WHIM syndrome (PMID: 35947323, PMID: 39575248). It has also been observed to segregate with disease in related individuals. Experimental studies have shown that this frameshift affects CXCR4 function (PMID: 35947323). This variant is located in a region of the CXCR4 protein where a significant number of CXCR4 nonsense and frameshift mutations have been reported in association with autosomal dominant WHIM syndrome (PMID: 31313072, 32784523, 35947323, 39040098). This variant is not present in population databases (gnomAD no frequency).

Literature cited by the submitters: PubMed 35947323; PubMed 39575248.